The following is an entry in ClinVar:

NM_206862.4(TACC2):c.1242G>C (p.Glu414Asp)

Gene: TACC2 (transforming acidic coiled-coil containing protein 2; plus strand). Cytogenetic location: 10q26.13.
Variant type: single nucleotide variant.
Coding change: c.1242G>C on transcript NM_206862.4 (MANE Select); coding-DNA position 1242, G replaced by C.
Protein change: p.Glu414Asp; replaces glutamic acid 414 with aspartic acid.
Molecular consequence: missense variant. On other transcripts: intron variant (1).
Genome position (GRCh38, 1-based): chr10:122,083,742, G>C. VCF-style: chr10-122083742-G-C. GRCh37 (hg19) VCF-style: chr10-123843257-G-C.
Other names: c.1242G>C, p.Glu414Asp (NM_001291876.2, NM_001291877.2); c.146+33192G>C (NM_206861.3); short protein forms E414D.
Identifiers: ClinVar variation 2640895 (VCV002640895.24), dbSNP rs200855604, ClinGen allele CA5722485.

ClinVar aggregate classification (germline): Likely benign (1 of 4 stars; one submission).

Allele frequency attached by ClinVar (database versions not stated): ExAC 0.00020; gnomAD exomes 0.00022; TOPMed 0.00022; gnomAD 0.00030; ESP Exome Variant Server 0.00031.
gnomAD v4.1: 359 of 1,613,922 alleles (0.022%); highest among the groups gnomAD compares: Middle Eastern, 0.033%; no homozygotes.

Submission:

CeGaT Center for Human Genetics Tuebingen
Classification: Likely benign. Last evaluated: 2022-10-01. Review status: criteria provided, single submitter. Criteria: CeGaT Center For Human Genetics Tuebingen Variant Classification Criteria Version 2. Collection method: clinical testing. Allele origin: germline. Affected: yes. Observed: 1 variant allele.
Comment: TACC2: BP4